The following is an entry in ClinVar:

NC_000016.10:g.2086191AG[1]

Gene: TSC2 (TSC complex subunit 2; plus strand). Cytogenetic location: 16p13.3.
Variant type: Microsatellite.
Genome position: GRCh38 VCF-style: chr16-2086190-CAG-C. GRCh37 (hg19) VCF-style: chr16-2136191-CAG-C.
Identifiers: ClinVar variation 49792 (VCV000049792.3), dbSNP rs137854118, ClinGen allele CA020875.

ClinVar aggregate classification (germline): Pathogenic. Review status: criteria provided, single submitter (1 of 4 stars). 2 submissions from 2 submitters: Pathogenic (1). 1 of the submissions does not count toward it. Last evaluated 2026-04-10.

Conditions:
Tuberous sclerosis syndrome (TSC). Also called: Tuberous Sclerosis Complex; Tuberous sclerosis. Identifiers: Orphanet 805, MedGen C0041341, MONDO:0001734.

Submissions (2):

Cambridge Genomics Laboratory, East Genomic Laboratory Hub, NHS Genomic Medicine Service
Classification: Pathogenic for Tuberous sclerosis. Last evaluated: 2026-04-10. Review status: criteria provided, single submitter. Criteria: ACGS Best Practice Guidelines for Variant Classification in Rare Disease 2020. Collection method: clinical testing. Allele origin: germline. Affected: yes.
Comment: PVS1,PM2,PP4

Tuberous sclerosis database (TSC2)
No classification provided. Condition: TSC. Review status: no classification provided. Criteria: Tuberous Sclerosis Database Assertion Criteria 2015. Collection method: curation. Allele origin: germline. Affected: yes. Not counted in ClinVar's aggregate classification.